The following is an entry in ClinVar:

ClinVar aggregate classification (germline): Uncertain significance (1 of 4 stars; one submission).

Submission:

GeneDx
Classification: Uncertain significance. Last evaluated: 2025-06-25. Review status: criteria provided, single submitter. Criteria: GeneDx Variant Classification Process June 2021. Collection method: clinical testing. Allele origin: germline. Affected: yes.
Comment: Not observed at significant frequency in large population cohorts (gnomAD); In silico analysis supports that this missense variant has a deleterious effect on protein structure/function; Has not been previously published as pathogenic or benign to our knowledge

NM_001458.5(FLNC):c.6760G>T (p.Val2254Leu)

Genes: FLNC (filamin C; plus strand), FLNC-AS1 (FLNC antisense RNA 1; minus strand). Cytogenetic location: 7q32.1.
Variant type: single nucleotide variant.
Coding change: c.6760G>T on transcript NM_001458.5 (MANE Select); coding-DNA position 6760, G replaced by T.
Protein change: p.Val2254Leu; replaces valine 2254 with leucine.
Molecular consequence: missense variant.
Genome position (GRCh38, 1-based): chr7:128,854,445, G>T. VCF-style: chr7-128854445-G-T. GRCh37 (hg19) VCF-style: chr7-128494499-G-T.
Other names: c.6661G>T, p.Val2221Leu (NM_001127487.2); short protein forms V2221L, V2254L.
Identifiers: ClinVar variation 4539855 (VCV004539855.1).